The following is an entry in ClinVar:

NM_006231.4(POLE):c.1729A>T (p.Thr577Ser)

Gene: POLE (DNA polymerase epsilon, catalytic subunit; minus strand). Cytogenetic location: 12q24.33.
Variant type: single nucleotide variant.
Coding change: c.1729A>T on transcript NM_006231.4 (MANE Select); coding-DNA position 1729, A replaced by T.
Protein change: p.Thr577Ser; replaces threonine 577 with serine.
Molecular consequence: missense variant.
Genome position (GRCh38, 1-based): chr12:132,672,280, T>A on the plus strand (A>T on the coding strand, the complement: POLE is on the minus strand). VCF-style: chr12-132672280-T-A. GRCh37 (hg19) VCF-style: chr12-133248866-T-A.
Other names: short protein forms T577S.
Identifiers: ClinVar variation 3308377 (VCV003308377.1).

ClinVar aggregate classification (germline): Uncertain significance (1 of 4 stars; one submission).

Conditions:
Hereditary cancer-predisposing syndrome. Also called: Neoplastic Syndromes, Hereditary; Tumor predisposition; Hereditary neoplastic syndrome; Hereditary Cancer Syndrome. Identifiers: Orphanet 140162, MedGen C0027672, MeSH D009386, MONDO:0015356.

Submission:

Ambry Genetics
Classification: Uncertain significance for Hereditary cancer-predisposing syndrome. Last evaluated: 2024-04-13. Review status: criteria provided, single submitter. Criteria: Ambry Variant Classification Scheme 2023. Collection method: clinical testing. Allele origin: germline.
Comment: The p.T577S variant (also known as c.1729A>T), located in coding exon 16 of the POLE gene, results from an A to T substitution at nucleotide position 1729. The threonine at codon 577 is replaced by serine, an amino acid with similar properties. This amino acid position is conserved. In addition, the in silico prediction for this alteration is inconclusive. Based on the available evidence, the clinical significance of this variant remains unclear.